The following is an entry in ClinVar:

NM_006059.4(LAMC3):c.4331T>C (p.Val1444Ala)

Gene: LAMC3 (laminin subunit gamma 3; plus strand). Cytogenetic location: 9q34.12.
Variant type: single nucleotide variant.
Coding change: c.4331T>C on transcript NM_006059.4 (MANE Select); coding-DNA position 4331, T replaced by C.
Protein change: p.Val1444Ala; replaces valine 1444 with alanine.
Molecular consequence: missense variant.
Genome position (GRCh38, 1-based): chr9:131,087,576, T>C. VCF-style: chr9-131087576-T-C. GRCh37 (hg19) VCF-style: chr9-133962963-T-C.
Other names: short protein forms V1444A.
Identifiers: ClinVar variation 2083366 (VCV002083366.4), dbSNP rs2538328539, ClinGen allele CA375265516.

ClinVar aggregate classification (germline): Uncertain significance (1 of 4 stars; one submission).

Submission:

Labcorp Genetics (formerly Invitae), Labcorp
Classification: Uncertain significance. Last evaluated: 2022-08-09. Review status: criteria provided, single submitter. Criteria: Invitae Variant Classification Sherloc (09022015). Collection method: clinical testing. Allele origin: germline.
Comment: This variant has not been reported in the literature in individuals affected with LAMC3-related conditions. This variant is not present in population databases (gnomAD no frequency). This sequence change replaces valine, which is neutral and non-polar, with alanine, which is neutral and non-polar, at codon 1444 of the LAMC3 protein (p.Val1444Ala). Algorithms developed to predict the effect of missense changes on protein structure and function output the following: SIFT: "Tolerated"; PolyPhen-2: "Benign"; Align-GVGD: "Class C0". The alanine amino acid residue is found in multiple mammalian species, which suggests that this missense change does not adversely affect protein function. In summary, the available evidence is currently insufficient to determine the role of this variant in disease. Therefore, it has been classified as a Variant of Uncertain Significance.